The following is an entry in ClinVar:

ClinVar aggregate classification (germline): Likely benign. Review status: criteria provided, multiple submitters, no conflicts (2 of 4 stars). 2 submissions from 2 submitters: Likely benign (2). Last evaluated 2018-06-19.

Allele frequency attached by ClinVar (database versions not stated): 1000 Genomes Project 0.00379; 1000 Genomes Project 30x 0.00406; TOPMed 0.00615; gnomAD 0.00669 and 0.00673; gnomAD exomes 0.00856.
gnomAD v4.1: 6,366 of 780,232 alleles (0.82%); highest among the groups gnomAD compares: Middle Eastern, 1.7%; 60 homozygotes.

Submissions (2):

GeneDx
Classification: Likely benign. Last evaluated: 2018-06-19. Review status: criteria provided, single submitter. Criteria: GeneDx Variant Classification (06012015). Collection method: clinical testing. Allele origin: germline. Affected: yes.
Comment: This variant is considered likely benign or benign based on one or more of the following criteria: it is a conservative change, it occurs at a poorly conserved position in the protein, it is predicted to be benign by multiple in silico algorithms, and/or has population frequency not consistent with disease.

Breakthrough Genomics
Classification: Likely benign. Review status: criteria provided, single submitter. Criteria: ACMG Guidelines, 2015. Collection method: not provided. Allele origin: germline. Inheritance: Autosomal recessive inheritance. Affected: yes.

NM_006493.4(CLN5):c.173+166G>A

Genes: CLN5 (CLN5 intracellular trafficking protein; plus strand), LOC126861804 (BRD4-independent group 4 enhancer GRCh37_chr13:77566521-77567720; plus strand). Cytogenetic location: 13q22.3.
Variant type: single nucleotide variant.
Coding change: c.173+166G>A on transcript NM_006493.4 (MANE Select); 166 bases into the intron after coding-DNA position 173, G replaced by A.
Molecular consequence: intron variant.
Genome position (GRCh38, 1-based): chr13:76,992,437, G>A. VCF-style: chr13-76992437-G-A. GRCh37 (hg19) VCF-style: chr13-77566572-G-A.
Other names: c.173+166G>A (NM_001366624.2).
Identifiers: ClinVar variation 679914 (VCV000679914.2), dbSNP rs117438107, ClinGen allele CA252175766.